The following is an entry in ClinVar:

NM_003079.5(SMARCE1):c.478A>G (p.Arg160Gly)

Gene: SMARCE1 (SWI/SNF related BAF chromatin remodeling complex subunit E1; minus strand). Cytogenetic location: 17q21.2.
Variant type: single nucleotide variant.
Coding change: c.478A>G on transcript NM_003079.5 (MANE Select); coding-DNA position 478, A replaced by G.
Protein change: p.Arg160Gly; replaces arginine 160 with glycine.
Molecular consequence: missense variant.
Genome position (GRCh38, 1-based): chr17:40,635,994, T>C on the plus strand (A>G on the coding strand, the complement: SMARCE1 is on the minus strand). VCF-style: chr17-40635994-T-C. GRCh37 (hg19) VCF-style: chr17-38792246-T-C.
Other names: short protein forms R160G.
Identifiers: ClinVar variation 3649541 (VCV003649541.2).

ClinVar aggregate classification (germline): Uncertain significance (1 of 4 stars; one submission).

Conditions:
Familial meningioma. Also called: Meningioma, familial, susceptibility to. Identifiers: Orphanet 263662, MedGen C3551915, MONDO:0011789, OMIM 607174.

Submission:

Labcorp Genetics (formerly Invitae), Labcorp
Classification: Uncertain significance for Familial meningioma. Last evaluated: 2024-04-17. Review status: criteria provided, single submitter. Criteria: Invitae Variant Classification Sherloc (09022015). Collection method: clinical testing. Allele origin: germline.
Comment: This sequence change replaces arginine, which is basic and polar, with glycine, which is neutral and non-polar, at codon 160 of the SMARCE1 protein (p.Arg160Gly). This variant is not present in population databases (gnomAD no frequency). This variant has not been reported in the literature in individuals affected with SMARCE1-related conditions. Advanced modeling of protein sequence and biophysical properties (such as structural, functional, and spatial information, amino acid conservation, physicochemical variation, residue mobility, and thermodynamic stability) performed at Invitae indicates that this missense variant is expected to disrupt SMARCE1 protein function with a positive predictive value of 80%. In summary, the available evidence is currently insufficient to determine the role of this variant in disease. Therefore, it has been classified as a Variant of Uncertain Significance.